The following is an entry in ClinVar:

ClinVar aggregate classification (germline): Benign/Likely benign. Review status: criteria provided, multiple submitters, no conflicts (2 of 4 stars). 5 submissions from 5 submitters: Benign (3); Likely benign (2). Last evaluated 2026-01-28.

Conditions:
Early-infantile DEE. Also called: Ohtahara syndrome; Early infantile epileptic encephalopathy; Early infantile epileptic encephalopathy with suppression bursts. Identifiers: Orphanet 1934, MedGen C0393706, MONDO:0800491.
Seizures, benign familial neonatal, 1. Also called: KCNQ2-Related Benign Familial Neonatal Epilepsy; Benign Neonatal Epilepsy 1; KCNQ2-Related Self-Limited Familial Neonatal Epilepsy (SLFNE); Seizures, benign neonatal, 1. Identifiers: Orphanet 1949, MedGen C3149074, MONDO:0007365, OMIM 121200.
Developmental and epileptic encephalopathy, 7 (DEE7). Also called: KCNQ2-Related Neonatal Epileptic Encephalopathy; Early infantile epileptic encephalopathy 7; KCNQ2-Related Neonatal-Onset Developmental and Epileptic Encephalopathy (NEO-DEE). Identifiers: Orphanet 439218, MedGen C3150986, MONDO:0013387, OMIM 613720.

Allele frequency attached by ClinVar (database versions not stated): gnomAD exomes 0.00030; ExAC 0.00040; gnomAD 0.00087 and 0.00091; ESP Exome Variant Server 0.00093; TOPMed 0.00097; 1000 Genomes Project 30x 0.00109; 1000 Genomes Project 0.00140.
gnomAD v4.1: 269 of 1,605,460 alleles (0.017%); highest among the groups gnomAD compares: African/African-American, 0.31%; no homozygotes.

Submissions (5):

Labcorp Genetics (formerly Invitae), Labcorp
Classification: Benign for Early-infantile DEE. Last evaluated: 2026-01-28. Review status: criteria provided, single submitter. Criteria: Invitae Variant Classification Sherloc (09022015). Collection method: clinical testing. Allele origin: germline.

ARUP Laboratories, Molecular Genetics and Genomics, ARUP Laboratories
Classification: Benign. Last evaluated: 2024-09-17. Review status: criteria provided, single submitter. Criteria: ARUP Molecular Germline Variant Investigation Process 2024. Collection method: clinical testing. Allele origin: germline.

Blueprint Genetics
Classification: Likely benign. Last evaluated: 2024-07-01. Review status: criteria provided, single submitter. Criteria: ACMG Guidelines, 2015. Collection method: clinical testing. Allele origin: germline.

Fulgent Genetics
Classification: Likely benign for Seizures, benign familial neonatal, 1; Developmental and epileptic encephalopathy, 7. Last evaluated: 2022-04-25. Review status: criteria provided, single submitter. Criteria: ACMG Guidelines, 2015. Collection method: clinical testing. Allele origin: unknown.

GeneDx
Classification: Benign. Last evaluated: 2015-06-29. Review status: criteria provided, single submitter. Criteria: GeneDx Variant Classification (06012015). Collection method: clinical testing. Allele origin: germline. Affected: yes.
Comment: This variant is considered likely benign or benign based on one or more of the following criteria: it is a conservative change, it occurs at a poorly conserved position in the protein, it is predicted to be benign by multiple in silico algorithms, and/or has population frequency not consistent with disease.

NM_172107.4(KCNQ2):c.1887+17G>A

Gene: KCNQ2 (potassium voltage-gated channel subfamily Q member 2; minus strand). Cytogenetic location: 20q13.33.
Variant type: single nucleotide variant.
Coding change: c.1887+17G>A on transcript NM_172107.4 (MANE Select); 17 bases into the intron after coding-DNA position 1887, G replaced by A.
Molecular consequence: intron variant.
Genome position (GRCh38, 1-based): chr20:63,408,396, C>T on the plus strand (G>A on the coding strand, the complement: KCNQ2 is on the minus strand). VCF-style: chr20-63408396-C-T. GRCh37 (hg19) VCF-style: chr20-62039749-C-T.
Other names: c.1803+17G>A (NM_004518.6); c.1794+17G>A (NM_172108.5); c.1833+17G>A (NM_172106.3).
Identifiers: ClinVar variation 378030 (VCV000378030.13), dbSNP rs369457896, ClinGen allele CA9958224.